The following is an entry in ClinVar:

NM_018026.4(PACS1):c.154C>T (p.Gln52Ter)

Gene: PACS1 (phosphofurin acidic cluster sorting protein 1; plus strand). Cytogenetic location: 11q13.1.
Variant type: single nucleotide variant.
Coding change: c.154C>T on transcript NM_018026.4 (MANE Select); coding-DNA position 154, C replaced by T.
Protein change: p.Gln52Ter; replaces glutamine 52 with a stop codon.
Molecular consequence: nonsense.
Genome position (GRCh38, 1-based): chr11:66,070,640, C>T. VCF-style: chr11-66070640-C-T. GRCh37 (hg19) VCF-style: chr11-65838111-C-T.
Other names: short protein forms Q52*.
Identifiers: ClinVar variation 1312667 (VCV001312667.2), dbSNP rs2134486474, ClinGen allele CA381507680.

ClinVar aggregate classification (germline): Uncertain significance (1 of 4 stars; one submission).

gnomAD v4.1: 1 of 1,558,228 alleles (0.000064%); no homozygotes.

Submission:

GeneDx
Classification: Uncertain significance. Last evaluated: 2021-08-04. Review status: criteria provided, single submitter. Criteria: GeneDx Variant Classification Process June 2021. Collection method: clinical testing. Allele origin: germline. Affected: yes.
Comment: Not observed in large population cohorts (Lek et al., 2016); Nonsense variant predicted to result in protein truncation or nonsense mediated decay in a gene for which loss-of-function is not a known mechanism of disease; Has not been previously published as pathogenic or benign to our knowledge